The following is an entry in ClinVar:

NM_005591.4(MRE11):c.821_823delinsA (p.Leu274fs)

Gene: MRE11 (MRE11 double strand break repair nuclease; minus strand). Cytogenetic location: 11q21.
Variant type: Indel.
Coding change: c.821_823delinsA on transcript NM_005591.4 (MANE Select); coding-DNA positions 821 to 823, TTT replaced by A.
Protein change: p.Leu274fs; shifts the reading frame from leucine 274.
Molecular consequence: frameshift variant.
Genome position (GRCh38, 1-based): chr11:94,471,596-94,471,598, AAA replaced by T on the plus strand (TTT replaced by A on the coding strand, the reverse complement: MRE11 is on the minus strand). VCF-style: chr11-94471596-AAA-T. GRCh37 (hg19) VCF-style: chr11-94204762-AAA-T.
Other names: c.821_823delinsA, p.Leu274fs (NM_001330347.2, NM_005590.4); c.821_823delTTTinsA (NM_005591.3); c.821_823delinsA (NM_005591.3); short protein forms L274fs.
Identifiers: ClinVar variation 185250 (VCV000185250.6), dbSNP rs786202032, ClinGen allele CA191452.

ClinVar aggregate classification (germline): Pathogenic/Likely pathogenic. Review status: criteria provided, multiple submitters, no conflicts (2 of 4 stars). 2 submissions from 2 submitters: Pathogenic (1); Likely pathogenic (1). Last evaluated 2024-05-17.

Conditions:
Hereditary cancer-predisposing syndrome. Also called: Hereditary neoplastic syndrome; Neoplastic Syndromes, Hereditary; Tumor predisposition; Hereditary Cancer Syndrome. Identifiers: Orphanet 140162, MedGen C0027672, MeSH D009386, MONDO:0015356.

Submissions (2):

Quest Diagnostics Nichols Institute San Juan Capistrano
Classification: Likely pathogenic. Last evaluated: 2024-05-17. Review status: criteria provided, single submitter. Criteria: Quest Diagnostics criteria. Collection method: clinical testing. Allele origin: unknown.
Comment: The MRE11 c.821_823delinsA (p.Leu274Hisfs*16) variant alters the translational reading frame of the MRE11 mRNA and is predicted to cause the premature termination of MRE11 protein synthesis. In the published literature, this variant was identified during clinical testing (PMID: 28152038 (2017)), however, the information is limited. This variant has not been reported in large, multi-ethnic general populations (Genome Aggregation Database). Based on the available information, this variant is classified as likely pathogenic.

Ambry Genetics
Classification: Pathogenic for Hereditary cancer-predisposing syndrome. Last evaluated: 2018-09-26. Review status: criteria provided, single submitter. Criteria: Ambry Variant Classification Scheme 2023. Collection method: clinical testing. Allele origin: germline.
Comment: The c.821_823delTTTinsA pathogenic mutation, located in coding exon 7 of the MRE11A gene, results from the deletion of 3 nucleotides and insertion of one nucleotide causing a translational frameshift with a predicted alternate stop codon (p.L274Hfs*16). This alteration is expected to result in loss of function by premature protein truncation or nonsense-mediated mRNA decay. As such, this alteration is interpreted as a disease-causing mutation.

Literature cited by the submitters: PubMed 37762649 (cited by Quest Diagnostics Nichols Institute San Juan Capistrano); PubMed 28152038 (cited by Quest Diagnostics Nichols Institute San Juan Capistrano).